The following is an entry in ClinVar:

NM_000334.4(SCN4A):c.395T>G (p.Leu132Arg)

Gene: SCN4A (sodium voltage-gated channel alpha subunit 4; minus strand). Cytogenetic location: 17q23.3.
Variant type: single nucleotide variant.
Coding change: c.395T>G on transcript NM_000334.4 (MANE Select); coding-DNA position 395, T replaced by G.
Protein change: p.Leu132Arg; replaces leucine 132 with arginine.
Molecular consequence: missense variant.
Genome position (GRCh38, 1-based): chr17:63,972,223, A>C on the plus strand (T>G on the coding strand, the complement: SCN4A is on the minus strand). VCF-style: chr17-63972223-A-C. GRCh37 (hg19) VCF-style: chr17-62049583-A-C.
Other names: short protein forms L132R.
Identifiers: ClinVar variation 1716862 (VCV001716862.6), dbSNP rs1909634734, ClinGen allele CA400639775.

ClinVar aggregate classification (germline): Uncertain significance (1 of 4 stars; one submission).

Conditions:
Hyperkalemic periodic paralysis. Also called: Familial hyperkalemic periodic paralysis; Gamstorp disease. Identifiers: Orphanet 682, MedGen C0238357, MONDO:0008224, OMIM 170500, HP:0007215.

Allele frequency attached by ClinVar (database versions not stated): TOPMed below 0.00001.
gnomAD v4.1: 4 of 1,613,166 alleles (0.00025%); highest among the groups gnomAD compares: Non-Finnish European, 0.00034%; no homozygotes.

Submission:

Labcorp Genetics (formerly Invitae), Labcorp
Classification: Uncertain significance for Hyperkalemic periodic paralysis. Last evaluated: 2025-08-11. Review status: criteria provided, single submitter. Criteria: Invitae Variant Classification Sherloc (09022015). Collection method: clinical testing. Allele origin: germline.
Comment: This sequence change replaces leucine, which is neutral and non-polar, with arginine, which is basic and polar, at codon 132 of the SCN4A protein (p.Leu132Arg). This variant is not present in population databases (gnomAD no frequency). This variant has not been reported in the literature in individuals affected with SCN4A-related conditions. ClinVar contains an entry for this variant (Variation ID: 1716862). Invitae Evidence Modeling of protein sequence and biophysical properties (such as structural, functional, and spatial information, amino acid conservation, physicochemical variation, residue mobility, and thermodynamic stability) has been performed for this missense variant. However, the output from this modeling did not meet the statistical confidence thresholds required to predict the impact of this variant on SCN4A protein function. In summary, the available evidence is currently insufficient to determine the role of this variant in disease. Therefore, it has been classified as a Variant of Uncertain Significance.